The following is an entry in ClinVar:

ClinVar aggregate classification (germline): Uncertain significance (1 of 4 stars; one submission).

Conditions:
Spastic paraplegia. Identifiers: MedGen C0037772, HP:0001258.

gnomAD v4.1: 2 of 1,211,796 alleles (0.00017%); highest among the groups gnomAD compares: Admixed American, 0.0043%; no homozygotes.

Submission:

Labcorp Genetics (formerly Invitae), Labcorp
Classification: Uncertain significance for Spastic paraplegia. Last evaluated: 2024-10-15. Review status: criteria provided, single submitter. Criteria: Invitae Variant Classification Sherloc (09022015). Collection method: clinical testing. Allele origin: germline.
Comment: This sequence change replaces threonine, which is neutral and polar, with alanine, which is neutral and non-polar, at codon 1385 of the KDM5C protein (p.Thr1385Ala). This variant is present in population databases (no rsID available, gnomAD 0.008%). This variant has not been reported in the literature in individuals affected with KDM5C-related conditions. Invitae Evidence Modeling of protein sequence and biophysical properties (such as structural, functional, and spatial information, amino acid conservation, physicochemical variation, residue mobility, and thermodynamic stability) indicates that this missense variant is not expected to disrupt KDM5C protein function with a negative predictive value of 95%. In summary, the available evidence is currently insufficient to determine the role of this variant in disease. Therefore, it has been classified as a Variant of Uncertain Significance.

NM_004187.5(KDM5C):c.4153A>G (p.Thr1385Ala)

Gene: KDM5C (lysine demethylase 5C; minus strand). Cytogenetic location: Xp11.22.
Variant type: single nucleotide variant.
Coding change: c.4153A>G on transcript NM_004187.5 (MANE Select); coding-DNA position 4153, A replaced by G.
Protein change: p.Thr1385Ala; replaces threonine 1385 with alanine.
Molecular consequence: missense variant. On other transcripts: non-coding transcript variant (3).
Genome position (GRCh38, 1-based): chrX:53,193,601, T>C on the plus strand (A>G on the coding strand, the complement: KDM5C is on the minus strand). VCF-style: chrX-53193601-T-C. GRCh37 (hg19) VCF-style: chrX-53222783-T-C.
Other names: c.3943A>G, p.Thr1315Ala (NM_001146702.2); c.4150A>G, p.Thr1384Ala (NM_001282622.3, NM_001353979.2); c.4144A>G, p.Thr1382Ala (NM_001353978.3, NM_001353981.2, NM_001353984.2); c.4141A>G, p.Thr1381Ala (NM_001353982.2); short protein forms T1384A, T1381A, T1315A, T1382A, T1385A.
Identifiers: ClinVar variation 3673550 (VCV003673550.2).